The following is an entry in ClinVar:

NM_001162501.2(TNRC6B):c.4577C>G (p.Thr1526Ser)

Gene: TNRC6B (trinucleotide repeat containing adaptor 6B; plus strand). Cytogenetic location: 22q13.1.
Variant type: single nucleotide variant.
Coding change: c.4577C>G on transcript NM_001162501.2 (MANE Select); coding-DNA position 4577, C replaced by G.
Protein change: p.Thr1526Ser; replaces threonine 1526 with serine.
Molecular consequence: missense variant.
Genome position (GRCh38, 1-based): chr22:40,312,646, C>G. VCF-style: chr22-40312646-C-G. GRCh37 (hg19) VCF-style: chr22-40708650-C-G.
Other names: c.2165C>G, p.Thr722Ser (NM_001024843.2); c.4247C>G, p.Thr1416Ser (NM_015088.3); short protein forms T1416S, T1526S, T722S.
Identifiers: ClinVar variation 3063706 (VCV003063706.1), dbSNP rs2518042983, ClinGen allele CA411667701.

ClinVar aggregate classification (germline): Uncertain significance (1 of 4 stars; one submission).

gnomAD v4.1: 2 of 1,609,546 alleles (0.00012%); no homozygotes.

Submission:

Women's Health and Genetics/Laboratory Corporation of America, LabCorp
Classification: Uncertain significance. Last evaluated: 2024-01-30. Review status: criteria provided, single submitter. Criteria: LabCorp Variant Classification Summary - May 2015. Collection method: clinical testing. Allele origin: germline.
Comment: Variant summary: TNRC6B c.4577C>G (p.Thr1526Ser) results in a conservative amino acid change located in the TNRC6, PABC binding domain (IPR032226) of the encoded protein sequence. Four of five in-silico tools predict a benign effect of the variant on protein function. The variant was absent in 243258 control chromosomes. The available data on variant occurrences in the general population are insufficient to allow any conclusion about variant significance. To our knowledge, no occurrence of c.4577C>G in individuals affected with Global Developmental Delay With Speech And Behavioral Abnormalities and no experimental evidence demonstrating its impact on protein function have been reported. No submitters have cited clinical-significance assessments for this variant to ClinVar. Based on the evidence outlined above, the variant was classified as uncertain significance.